The following is an entry in ClinVar:

ClinVar aggregate classification (germline): Conflicting classifications of pathogenicity. Review status: criteria provided, conflicting classifications (1 of 4 stars). 12 submissions from 12 submitters: Uncertain significance (1); Benign (6); Likely benign (3). 2 of the submissions do not count toward it. Last evaluated 2026-09-01.

Conditions:
Episodic ataxia type 2 (EA2). Also called: ACETAZOLAMIDE-RESPONSIVE HEREDITARY PAROXYSMAL CEREBELLAR ATAXIA; ATAXIA, EPISODIC, WITH NYSTAGMUS; ATAXIA, FAMILIAL PAROXYSMAL; CEREBELLAR ATAXIA, PAROXYSMAL, ACETAZOLAMIDE-RESPONSIVE; CEREBELLOPATHY, HEREDITARY PAROXYSMAL; EPISODIC ATAXIA, NYSTAGMUS-ASSOCIATED. Identifiers: Orphanet 97, MedGen C1720416, MONDO:0007163, OMIM 108500.
Developmental and epileptic encephalopathy, 42 (DEE42A). Also called: Epileptic encephalopathy, early infantile, 42; DEVELOPMENTAL AND EPILEPTIC ENCEPHALOPATHY 42A; EPILEPTIC ENCEPHALOPATHY, EARLY INFANTILE, 42A. Identifiers: MedGen C4310716, MONDO:0014917, OMIM 617106.
Inborn genetic diseases. Identifiers: MedGen C0950123, MeSH D030342.
CACNA1A-related disorder. Also called: CACNA1A-related condition.

Allele frequency attached by ClinVar (database versions not stated): 1000 Genomes Project 30x 0.00031; 1000 Genomes Project 0.00020; TOPMed 0.00099; ESP Exome Variant Server 0.00079; gnomAD 0.00088 and 0.00091.
gnomAD v4.1: 2,775 of 1,591,310 alleles (0.17%); highest among the groups gnomAD compares: Non-Finnish European, 0.21%; 11 homozygotes.

Submissions (12):

CeGaT Center for Human Genetics Tuebingen
Classification: Benign. Last evaluated: 2026-09-01. Review status: criteria provided, single submitter. Criteria: CeGaT Center For Human Genetics Tuebingen Variant Classification Criteria Version 2. Collection method: clinical testing. Allele origin: germline. Affected: yes. Observed: 21 variant alleles.
Comment: CACNA1A: BS1, BS2

Labcorp Genetics (formerly Invitae), Labcorp
Classification: Likely benign for Developmental and epileptic encephalopathy, 42; Episodic ataxia type 2. Last evaluated: 2026-01-14. Review status: criteria provided, single submitter. Criteria: Invitae Variant Classification Sherloc (09022015). Collection method: clinical testing. Allele origin: germline.

Athena Diagnostics
Classification: Benign. Last evaluated: 2025-02-04. Review status: criteria provided, single submitter. Criteria: Athena Diagnostics Criteria. Collection method: clinical testing. Allele origin: unknown.
Comment: The frequency of this variant in the general population is higher than would generally be expected for pathogenic variants in this gene.

Blueprint Genetics
Classification: Likely benign. Last evaluated: 2024-11-22. Review status: criteria provided, single submitter. Criteria: ACMG Guidelines, 2015. Collection method: clinical testing. Allele origin: germline.

Mayo Clinic Laboratories, Mayo Clinic
Classification: Benign. Last evaluated: 2024-07-03. Review status: criteria provided, single submitter. Criteria: ACMG Guidelines, 2015. Collection method: clinical testing. Allele origin: germline. Observed: 3 variant alleles.
Comment: BS1, BS2

Mendelics
Classification: Benign for Episodic ataxia type 2. Last evaluated: 2023-08-22. Review status: criteria provided, single submitter. Criteria: Mendelics Assertion Criteria 2019. Collection method: clinical testing. Allele origin: germline.

GeneDx
Classification: Benign. Last evaluated: 2018-11-19. Review status: criteria provided, single submitter. Criteria: GeneDx Variant Classification Process June 2021. Collection method: clinical testing. Allele origin: germline. Affected: yes.
Comment: This variant is associated with the following publications: (PMID: 18513263, 20129625)

Center for Pediatric Genomic Medicine, Children's Mercy Hospital and Clinics
Classification: Benign. Last evaluated: 2017-08-30. Review status: criteria provided, single submitter. Criteria: ACMG Guidelines, 2015. Collection method: clinical testing. Allele origin: germline.

Ambry Genetics
Classification: Likely benign for Inborn genetic diseases. Last evaluated: 2017-06-28. Review status: criteria provided, single submitter. Criteria: Ambry Variant Classification Scheme 2023. Collection method: clinical testing. Allele origin: germline.

Eurofins Ntd Llc (ga)
Classification: Uncertain significance. Last evaluated: 2016-06-02. Review status: criteria provided, single submitter. Criteria: EGL Classification Definitions 2015. Collection method: clinical testing. Allele origin: germline. Observed: 2 variant alleles, 2 heterozygotes.

PreventionGenetics, part of Exact Sciences
Classification: Likely benign for CACNA1A-related condition. Last evaluated: 2020-07-03. Review status: no assertion criteria provided. Collection method: clinical testing. Allele origin: germline. Not counted in ClinVar's aggregate classification.
Comment: This variant is classified as likely benign based on ACMG/AMP sequence variant interpretation guidelines (Richards et al. 2015 PMID: 25741868, with internal and published modifications).

UniProtKB/Swiss-Prot
No classification provided. Condition: Episodic ataxia type 2. Review status: no classification provided. Collection method: not provided. Allele origin: not provided. Not counted in ClinVar's aggregate classification.

Literature cited by the submitters: PubMed 29908077 (cited by Athena Diagnostics); PubMed 18513263 (cited by Athena Diagnostics and Mayo Clinic Laboratories, Mayo Clinic); PubMed 20129625 (cited by 3 submitters).

NM_001127222.2(CACNA1A):c.2687C>G (p.Pro896Arg)

Gene: CACNA1A (calcium voltage-gated channel subunit alpha1 A; minus strand). Cytogenetic location: 19p13.13.
Variant type: single nucleotide variant.
Coding change: c.2687C>G on transcript NM_001127222.2 (MANE Select); coding-DNA position 2687, C replaced by G.
Protein change: p.Pro896Arg; replaces proline 896 with arginine.
Molecular consequence: missense variant.
Genome position (GRCh38, 1-based): chr19:13,298,946, G>C on the plus strand (C>G on the coding strand, the complement: CACNA1A is on the minus strand). VCF-style: chr19-13298946-G-C. GRCh37 (hg19) VCF-style: chr19-13409760-G-C.
Other names: c.2690C>G (NM_000068.2); c.2699C>G, p.Pro900Arg (NM_000068.4, NM_023035.3); c.2690C>G, p.Pro897Arg (NM_001127221.2, NM_001174080.2); c.2687C>G (NM_001127222.1); short protein forms P897R, P896R, P900R.
Identifiers: ClinVar variation 68425 (VCV000068425.64), dbSNP rs121908242, ClinGen allele CA233571.